The following is an entry in ClinVar:

NM_002294.3(LAMP2):c.260A>C (p.Lys87Thr)

Gene: LAMP2 (lysosome associated membrane protein 2; minus strand). Cytogenetic location: Xq24.
Variant type: single nucleotide variant.
Coding change: c.260A>C on transcript NM_002294.3 (MANE Select); coding-DNA position 260, A replaced by C.
Protein change: p.Lys87Thr; replaces lysine 87 with threonine.
Molecular consequence: missense variant.
Genome position (GRCh38, 1-based): chrX:120,455,494, T>G on the plus strand (A>C on the coding strand, the complement: LAMP2 is on the minus strand). VCF-style: chrX-120455494-T-G. GRCh37 (hg19) VCF-style: chrX-119589349-T-G.
Other names: c.260A>C, p.Lys87Thr (NM_001122606.1, NM_013995.2); short protein forms K87T.
Identifiers: ClinVar variation 451080 (VCV000451080.11), dbSNP rs1556112678, ClinGen allele CA414403301.

ClinVar aggregate classification (germline): Conflicting classifications of pathogenicity. Review status: criteria provided, conflicting classifications (1 of 4 stars). 3 submissions from 3 submitters: Uncertain significance (2); Likely benign (1). Last evaluated 2025-04-03.

Conditions:
Cardiovascular phenotype. Identifiers: MedGen CN230736.
Danon disease. Also called: PSEUDOGLYCOGENOSIS II; GSD IIb; LYSOSOMAL GLYCOGEN STORAGE DISEASE WITHOUT ACID MALTASE DEFICIENCY; Glycogen Storage Disease Type IIb; ANTOPOL DISEASE. Identifiers: Orphanet 34587, MedGen C0878677, MONDO:0010281, OMIM 300257.

gnomAD v4.1: 27 of 1,210,684 alleles (0.0022%); highest among the groups gnomAD compares: Non-Finnish European, 0.0026%; no homozygotes.

Submissions (3):

Ambry Genetics
Classification: Likely benign for Cardiovascular phenotype. Last evaluated: 2025-04-03. Review status: criteria provided, single submitter. Criteria: Ambry Variant Classification Scheme 2023. Collection method: clinical testing. Allele origin: germline.

Labcorp Genetics (formerly Invitae), Labcorp
Classification: Uncertain significance for Danon disease. Last evaluated: 2024-03-28. Review status: criteria provided, single submitter. Criteria: Invitae Variant Classification Sherloc (09022015). Collection method: clinical testing. Allele origin: germline.
Comment: This sequence change replaces lysine, which is basic and polar, with threonine, which is neutral and polar, at codon 87 of the LAMP2 protein (p.Lys87Thr). This variant is not present in population databases (gnomAD no frequency). This variant has not been reported in the literature in individuals affected with LAMP2-related conditions. ClinVar contains an entry for this variant (Variation ID: 451080). Advanced modeling of protein sequence and biophysical properties (such as structural, functional, and spatial information, amino acid conservation, physicochemical variation, residue mobility, and thermodynamic stability) performed at Invitae indicates that this missense variant is not expected to disrupt LAMP2 protein function with a negative predictive value of 80%. In summary, the available evidence is currently insufficient to determine the role of this variant in disease. Therefore, it has been classified as a Variant of Uncertain Significance.

GeneDx
Classification: Uncertain significance. Last evaluated: 2017-08-17. Review status: criteria provided, single submitter. Criteria: GeneDx Variant Classification (06012015). Collection method: clinical testing. Allele origin: germline. Affected: yes.
Comment: he K87T variant has not been published as a pathogenic variant, nor has it been reported as a benign variant to our knowledge. Thee K87T variant is not observed in large population cohorts (Lek et al., 2016; 1000 Genomes Consortium et al., 2015; Exome Variant Server). The K87T variant is a semi-conservative amino acid substitution, which may impact secondary protein structure as these residues differ in some properties. This substitution occurs at a position that is not conserved. In silico analysis predicts this variant likely does not alter the protein structure/function. In summary, based on the currently available information, it is unclear whether this variant is a pathogenic variant or a rare benign variant.